The following is an entry in ClinVar:

ClinVar aggregate classification (germline): Conflicting classifications of pathogenicity. Review status: criteria provided, conflicting classifications (1 of 4 stars). 3 submissions from 3 submitters: Uncertain significance (2); Likely benign (1). Last evaluated 2025-03-15.

Conditions:
BBS10-related disorder. Also called: BBS10-related condition.
Bardet-Biedl syndrome 10 (BBS10). Identifiers: Orphanet 110, MedGen C1859568, MONDO:0014438, OMIM 615987.

Submissions (3):

PreventionGenetics, part of Exact Sciences
Classification: Uncertain significance for BBS10-related condition. Last evaluated: 2025-03-15. Review status: criteria provided, single submitter. Criteria: ACMG Guidelines, 2015. Collection method: clinical testing. Allele origin: germline.
Comment: The BBS10 c.1579T>C variant is predicted to result in the amino acid substitution p.Ser527Pro. To our knowledge, this variant has not been reported in the literature. This variant is reported in 0.049% of alleles in individuals of East Asian descent in gnomAD. At this time, the clinical significance of this variant is uncertain due to the absence of conclusive functional and genetic evidence.

Fulgent Genetics
Classification: Uncertain significance for Bardet-Biedl syndrome 10. Last evaluated: 2024-04-25. Review status: criteria provided, single submitter. Criteria: ACMG Guidelines, 2015. Collection method: clinical testing. Allele origin: germline.

Blueprint Genetics
Classification: Likely benign. Last evaluated: 2022-08-22. Review status: criteria provided, single submitter. Criteria: ACMG Guidelines, 2015. Collection method: clinical testing. Allele origin: germline.

NM_024685.4(BBS10):c.1579T>C (p.Ser527Pro)

Gene: BBS10 (Bardet-Biedl syndrome 10; minus strand). Cytogenetic location: 12q21.2.
Variant type: single nucleotide variant.
Coding change: c.1579T>C on transcript NM_024685.4 (MANE Select); coding-DNA position 1579, T replaced by C.
Protein change: p.Ser527Pro; replaces serine 527 with proline.
Molecular consequence: missense variant.
Genome position (GRCh38, 1-based): chr12:76,346,406, A>G on the plus strand (T>C on the coding strand, the complement: BBS10 is on the minus strand). VCF-style: chr12-76346406-A-G. GRCh37 (hg19) VCF-style: chr12-76740186-A-G.
Other names: c.1579T>C (NM_024685.3); short protein forms S527P.
Identifiers: ClinVar variation 3575284 (VCV003575284.3).